The following is an entry in ClinVar:

ClinVar aggregate classification (germline): Pathogenic/Likely pathogenic. Review status: criteria provided, multiple submitters, no conflicts (2 of 4 stars). 4 submissions from 4 submitters: Pathogenic (2); Likely pathogenic (1). 1 of the submissions does not count toward it. Last evaluated 2024-06-10.

Conditions:
Neuronal ceroid lipofuscinosis 5 (CLN5). Also called: Neuronal ceroid lipofuscinosis Finnish variant; NEURONAL CEROID LIPOFUSCINOSIS, LATE INFANTILE, FINNISH VARIANT; CLN5-Related Neuronal Ceroid-Lipofuscinosis; CEROID LIPOFUSCINOSIS, NEURONAL, 5, VARIABLE AGE AT ONSET. Identifiers: Orphanet 168491, Orphanet 228360, MedGen C1850442, MONDO:0009745, OMIM 256731.
Neuronal ceroid lipofuscinosis. Also called: Neuronal Ceroid Lipofuscinoses. Identifiers: Orphanet 216, Orphanet 79263, MedGen C0027877, MONDO:0016295. Disease mechanism: loss of function.

Allele frequency attached by ClinVar (database versions not stated): gnomAD exomes below 0.00001.
gnomAD v4.1: 1 of 1,613,436 alleles (0.000062%); highest among the groups gnomAD compares: Non-Finnish European, 0.000085%; no homozygotes.

Submissions (4):

Natera, Inc.
Classification: Likely pathogenic for Neuronal ceroid lipofuscinosis. Last evaluated: 2024-06-10. Review status: criteria provided, single submitter. Criteria: Natera Variant Classification Schema (03/2026). Collection method: clinical testing. Allele origin: germline.
Comment: The c.694C>T variant in CLN5 is a nonsense variant predicted to introduce a stop codon at amino acid 232. This variant is expected to result in nonsense mediated decay, truncation, or a dysfunctional protein product. This variant is rare in the general population with a frequency below the threshold expected for the associated phenotype(s). This variant has been observed in one or more individuals affected with the associated recessive disease, as either homozygous or compound heterozygous with a second variant (PMID: 26342652, 23160995). Additionally, this variant has been observed to segregate in affected family members (PMID: 23160995). Given the available evidence, this variant is classified as Likely Pathogenic.

Women's Health and Genetics/Laboratory Corporation of America, LabCorp
Classification: Pathogenic for Neuronal ceroid lipofuscinosis. Last evaluated: 2022-07-13. Review status: criteria provided, single submitter. Criteria: LabCorp Variant Classification Summary - May 2015. Collection method: clinical testing. Allele origin: germline.
Comment: Variant summary: CLN5 c.547C>T (p.Gln183X) results in a premature termination codon, predicted to cause a truncation of the encoded protein or absence of the protein due to nonsense mediated decay, which are commonly known mechanisms for disease. Truncations downstream of this position have been classified as pathogenic by our laboratory. The variant was absent in 251410 control chromosomes. c.694C>T has been reported in the literature in multiple homozygous individuals affected with Neuronal Ceroid-Lipofuscinosis (De Silva_2015, El Haddad_2012). These data indicate that the variant is very likely to be associated with disease. These papers also report loss of full-length protein via Western blot analysis from affected individuals fibroblasts. Two other clinical diagnostic laboratory or database have submitted clinical-significance assessments for this variant to ClinVar after 2014 without evidence for independent evaluation. Both submitters classified the variant as pathogenic. Based on the evidence outlined above, the variant was classified as pathogenic.

Genome-Nilou Lab
Classification: Pathogenic for Neuronal ceroid lipofuscinosis 5. Last evaluated: 2021-08-10. Review status: criteria provided, single submitter. Criteria: ACMG Guidelines, 2015. Collection method: clinical testing. Allele origin: germline. Affected: no.

OMIM
Classification: Pathogenic for CEROID LIPOFUSCINOSIS, NEURONAL, 5. Last evaluated: 2016-10-20. Review status: no assertion criteria provided. Collection method: literature only. Allele origin: germline. Not counted in ClinVar's aggregate classification.

Literature cited by the submitters: PubMed 26342652 (cited by Natera, Inc. and Women's Health and Genetics/Laboratory Corporation of America, LabCorp); PubMed 23160995 (cited by 3 submitters); PubMed 15349861 (cited by OMIM).

NM_006493.4(CLN5):c.547C>T (p.Gln183Ter)

Gene: CLN5 (CLN5 lysosomal BMP synthase; plus strand). Cytogenetic location: 13q22.3.
Variant type: single nucleotide variant.
Coding change: c.547C>T on transcript NM_006493.4 (MANE Select); coding-DNA position 547, C replaced by T.
Protein change: p.Gln183Ter; replaces glutamine 183 with a stop codon.
Molecular consequence: nonsense.
Genome position (GRCh38, 1-based): chr13:76,996,109, C>T. VCF-style: chr13-76996109-C-T. GRCh37 (hg19) VCF-style: chr13-77570244-C-T.
Other names: Q232*; c.694C>T, p.Gln232Ter (LRG_692t1); c.547C>T, p.Gln183Ter (NM_001366624.2); short protein forms Q183*.
Identifiers: ClinVar variation 224505 (VCV000224505.8), dbSNP rs869312751, ClinGen allele CA353480.